The following is an entry in ClinVar:

ClinVar aggregate classification (germline): Uncertain significance. Review status: criteria provided, multiple submitters, no conflicts (2 of 4 stars). 2 submissions from 2 submitters: Uncertain significance (2). Last evaluated 2025-12-28.

Conditions:
Hereditary cancer-predisposing syndrome. Also called: Neoplastic Syndromes, Hereditary; Hereditary neoplastic syndrome; Tumor predisposition; Hereditary Cancer Syndrome. Identifiers: Orphanet 140162, MedGen C0027672, MeSH D009386, MONDO:0015356.

Submissions (2):

Ambry Genetics
Classification: Uncertain significance for Hereditary cancer-predisposing syndrome. Last evaluated: 2025-12-28. Review status: criteria provided, single submitter. Criteria: Ambry Variant Classification Scheme 2023. Collection method: clinical testing. Allele origin: germline.
Comment: The p.E610D variant (also known as c.1830G>C), located in coding exon 12 of the CTNNA1 gene, results from a G to C substitution at nucleotide position 1830. The glutamic acid at codon 610 is replaced by aspartic acid, an amino acid with highly similar properties. This amino acid position is conserved. In addition, this alteration is predicted to be tolerated by in silico analysis. Based on the available evidence, the clinical significance of this variant remains unclear.

GeneDx
Classification: Uncertain significance. Last evaluated: 2025-08-05. Review status: criteria provided, single submitter. Criteria: GeneDx Variant Classification Process June 2021. Collection method: clinical testing. Allele origin: germline. Affected: yes.
Comment: Not observed at significant frequency in large population cohorts (gnomAD); In silico analysis suggests that this missense variant does not alter protein structure/function; Has not been previously published as pathogenic or benign to our knowledge

NM_001903.5(CTNNA1):c.1830G>C (p.Glu610Asp)

Gene: CTNNA1 (catenin alpha 1; plus strand). Cytogenetic location: 5q31.2.
Variant type: single nucleotide variant.
Coding change: c.1830G>C on transcript NM_001903.5 (MANE Select); coding-DNA position 1830, G replaced by C.
Protein change: p.Glu610Asp; replaces glutamic acid 610 with aspartic acid.
Molecular consequence: missense variant.
Genome position (GRCh38, 1-based): chr5:138,925,338, G>C. VCF-style: chr5-138925338-G-C. GRCh37 (hg19) VCF-style: chr5-138261027-G-C.
Other names: c.381G>C, p.Glu127Asp (NM_001324010.1, NM_001324006.1, NM_001324007.1 and 2 more transcripts); c.627G>C, p.Glu209Asp (NM_001324011.1); c.477G>C, p.Glu159Asp (NM_001324012.1, NM_001324013.1); c.720G>C, p.Glu240Asp (NM_001323987.1, NM_001323988.1, NM_001323989.1 and 17 more transcripts); c.1830G>C, p.Glu610Asp (NM_001290307.3, NM_001323982.2, NM_001323983.1 and 2 more transcripts); c.1521G>C, p.Glu507Asp (NM_001290309.3); c.1461G>C, p.Glu487Asp (NM_001290310.3); c.1737G>C, p.Glu579Asp (NM_001323986.2); and 1 more; short protein forms E127D, E159D, E209D, E240D, E487D, E507D, E579D, E610D.
Identifiers: ClinVar variation 4756013 (VCV004756013.2).
Genomic context (GRCh38, chr5:138,925,338, plus strand): 5'-AGTAGAAGCAGCCGTGGAAGCCCTCAGCTCGGACCCTGCCCAGCCCATGGATGAGAATGA[G>C]TTTATCGATGCTTCCCGCCTGGTATATGATGGCATCCGGGACATCAGGAAAGCAGTGCTG-3'
Protein context (NP_001894.2, residues 600-620): SDPAQPMDEN[Glu610Asp]FIDASRLVYD